The following is an entry in ClinVar:

NM_000093.5(COL5A1):c.296A>G (p.Asp99Gly)

Gene: COL5A1 (collagen type V alpha 1 chain; plus strand). Cytogenetic location: 9q34.3.
Variant type: single nucleotide variant.
Coding change: c.296A>G on transcript NM_000093.5 (MANE Select); coding-DNA position 296, A replaced by G.
Protein change: p.Asp99Gly; replaces aspartic acid 99 with glycine.
Molecular consequence: missense variant.
Genome position (GRCh38, 1-based): chr9:134,699,927, A>G. VCF-style: chr9-134699927-A-G. GRCh37 (hg19) VCF-style: chr9-137591773-A-G.
Other names: c.296A>G, p.Asp99Gly (NM_001278074.1); short protein forms D99G.
Identifiers: ClinVar variation 1361743 (VCV001361743.8), dbSNP rs2132569560, ClinGen allele CA375442375.
Genomic context (GRCh38, chr9:134,699,927, plus strand): 5'-GGGGCTCCCCGACTGCCTTCTCACCTCTGTGCTCTGTTCCAGCGTCTGCATTTCCCGAGG[A>G]CTTCTCCATCCTAACAACTGTGAAAGCCAAGAAAGGCAGCCAGGCCTTCCTGGTCTCCAT-3'
Protein context (NP_000084.3, residues 89-109): QLYPASAFPE[Asp99Gly]FSILTTVKAK

ClinVar aggregate classification (germline): Uncertain significance (1 of 4 stars; one submission).

Conditions:
Ehlers-Danlos syndrome, classic type, 1 (EDSCL1). Also called: EHLERS-DANLOS SYNDROME, GRAVIS TYPE; EHLERS-DANLOS SYNDROME, SEVERE CLASSIC TYPE; Ehlers-Danlos syndrome, type 1; EDS I; Ehlers-Danlos Syndrome, Classic Type, COL5A1-Related. Identifiers: MedGen C0268335, MONDO:0019567, OMIM 130000.

Submission:

Labcorp Genetics (formerly Invitae), Labcorp
Classification: Uncertain significance for Ehlers-Danlos syndrome, classic type, 1. Last evaluated: 2021-06-16. Review status: criteria provided, single submitter. Criteria: Invitae Variant Classification Sherloc (09022015). Collection method: clinical testing. Allele origin: germline.
Comment: This sequence change replaces aspartic acid with glycine at codon 99 of the COL5A1 protein (p.Asp99Gly). The aspartic acid residue is highly conserved and there is a moderate physicochemical difference between aspartic acid and glycine. This variant is not present in population databases (ExAC no frequency). This variant has not been reported in the literature in individuals with COL5A1-related conditions. Advanced modeling of protein sequence and biophysical properties (such as structural, functional, and spatial information, amino acid conservation, physicochemical variation, residue mobility, and thermodynamic stability) performed at Invitae indicates that this missense variant is not expected to disrupt COL5A1 protein function. In summary, the available evidence is currently insufficient to determine the role of this variant in disease. Therefore, it has been classified as a Variant of Uncertain Significance.